The following is an entry in ClinVar:

NM_000133.4(F9):c.1272C>A (p.Phe424Leu)

Gene: F9 (coagulation factor IX; plus strand). Cytogenetic location: Xq27.1.
Variant type: single nucleotide variant.
Coding change: c.1272C>A on transcript NM_000133.4 (MANE Select); coding-DNA position 1272, C replaced by A.
Protein change: p.Phe424Leu; replaces phenylalanine 424 with leucine.
Molecular consequence: missense variant.
Genome position (GRCh38, 1-based): chrX:139,561,957, C>A. VCF-style: chrX-139561957-C-A. GRCh37 (hg19) VCF-style: chrX-138644116-C-A.
Other names: c.1158C>A, p.Phe386Leu (NM_001313913.2); short protein forms F424L, F386L.
Identifiers: ClinVar variation 2020181 (VCV002020181.4), dbSNP rs2520848016, ClinGen allele CA414446985.
Genomic context (GRCh38, chrX:139,561,957, plus strand): 5'-AGATTCATGTCAAGGAGATAGTGGGGGACCCCATGTTACTGAAGTGGAAGGGACCAGTTT[C>A]TTAACTGGAATTATTAGCTGGGGTGAAGAGTGTGCAATGAAAGGCAAATATGGAATATAT-3'
Protein context (NP_000124.1, residues 414-434): PHVTEVEGTS[Phe424Leu]LTGIISWGEE

ClinVar aggregate classification (germline): Likely pathogenic (1 of 4 stars; one submission).

Conditions:
Hereditary factor IX deficiency disease (HEMB). Also called: PLASMA THROMBOPLASTIN COMPONENT DEFICIENCY; Hemophilia B; F9 DEFICIENCY; FACTOR IX DEFICIENCY; Christmas Disease. Identifiers: Orphanet 98879, MedGen C0008533, MeSH D002836, MONDO:0010604, OMIM 306900.
Thrombophilia, X-linked, due to factor 9 defect. Identifiers: MedGen C2749016, MONDO:0010432, OMIM 300807.

Submission:

Labcorp Genetics (formerly Invitae), Labcorp
Classification: Likely pathogenic for Thrombophilia, X-linked, due to factor 9 defect; Hereditary factor IX deficiency disease. Last evaluated: 2022-07-29. Review status: criteria provided, single submitter. Criteria: Invitae Variant Classification Sherloc (09022015). Collection method: clinical testing. Allele origin: germline.
Comment: In summary, the currently available evidence indicates that the variant is pathogenic, but additional data are needed to prove that conclusively. Therefore, this variant has been classified as Likely Pathogenic. This variant disrupts the p.Phe424 amino acid residue in F9. Other variant(s) that disrupt this residue have been observed in individuals with F9-related conditions (PMID: 2066105, 10874302, 22639855), which suggests that this may be a clinically significant amino acid residue. Advanced modeling of protein sequence and biophysical properties (such as structural, functional, and spatial information, amino acid conservation, physicochemical variation, residue mobility, and thermodynamic stability) performed at Invitae indicates that this missense variant is expected to disrupt F9 protein function. This variant has not been reported in the literature in individuals affected with F9-related conditions. This variant is not present in population databases (gnomAD no frequency). This sequence change replaces phenylalanine, which is neutral and non-polar, with leucine, which is neutral and non-polar, at codon 424 of the F9 protein (p.Phe424Leu).

Literature cited by the submitters: PubMed 2066105; PubMed 10874302; PubMed 22639855.